The following is an entry in ClinVar:

NM_006361.6(HOXB13):c.587del (p.Lys196fs)

Gene: HOXB13 (homeobox B13; minus strand). Cytogenetic location: 17q21.32.
Variant type: Deletion.
Coding change: c.587del on transcript NM_006361.6 (MANE Select); coding-DNA position 587, one base deleted (A; older notation c.587delA).
Protein change: p.Lys196fs; shifts the reading frame from lysine 196.
Molecular consequence: frameshift variant.
Genome position (GRCh38, 1-based): chr17:48,728,007, T deleted on the plus strand (A on the coding strand, the reverse complement: HOXB13 is on the minus strand); the first of 2 consecutive T bases (chr17:48,728,007-48,728,008); deleting either gives the same sequence. VCF-style (leftmost placement, unchanged base first): chr17-48728006-CT-C. GRCh37 (hg19) VCF-style: chr17-46805368-CT-C.
Other names: c.587del (NM_006361.5); short protein forms K196fs.
Identifiers: ClinVar variation 826027 (VCV000826027.14), dbSNP rs771483373, ClinGen allele CA8633965.

ClinVar aggregate classification (germline): Uncertain significance. Review status: criteria provided, multiple submitters, no conflicts (2 of 4 stars). 3 submissions from 3 submitters: Uncertain significance (3). Last evaluated 2026-07-30.

Conditions:
Hereditary cancer-predisposing syndrome. Also called: Tumor predisposition; Hereditary neoplastic syndrome; Neoplastic Syndromes, Hereditary; Hereditary Cancer Syndrome. Identifiers: Orphanet 140162, MedGen C0027672, MeSH D009386, MONDO:0015356.
Prostate cancer, hereditary, 9 (HPC9). Identifiers: Orphanet 1331, MedGen C1970250, MONDO:0012597, OMIM 610997.

Submissions (3):

Ambry Genetics
Classification: Uncertain significance for Hereditary cancer-predisposing syndrome. Last evaluated: 2026-07-30. Review status: criteria provided, single submitter. Criteria: Ambry Variant Classification Scheme 2023. Collection method: clinical testing. Allele origin: germline.
Comment: The c.587delA variant, located in coding exon 1 of the HOXB13 gene, results from a deletion of one nucleotide at nucleotide position 587, causing a translational frameshift with a predicted alternate stop codon (p.K196Rfs*83). This variant occurs at the 3' terminus of the gene and is not expected to trigger nonsense-mediated mRNA decay. Based on the available evidence, the clinical significance of this variant remains unclear.

Labcorp Genetics (formerly Invitae), Labcorp
Classification: Uncertain significance. Last evaluated: 2025-01-19. Review status: criteria provided, single submitter. Criteria: Invitae Variant Classification Sherloc (09022015). Collection method: clinical testing. Allele origin: germline.
Comment: This sequence change creates a premature translational stop signal (p.Lys196Argfs*83) in the HOXB13 gene. While this is not anticipated to result in nonsense mediated decay, it is expected to disrupt the last 89 amino acid(s) of the HOXB13 protein. This variant is present in population databases (rs771483373, gnomAD 0.0009%). This variant has not been reported in the literature in individuals affected with HOXB13-related conditions. ClinVar contains an entry for this variant (Variation ID: 826027). In summary, the available evidence is currently insufficient to determine the role of this variant in disease. Therefore, it has been classified as a Variant of Uncertain Significance.

Fulgent Genetics
Classification: Uncertain significance for Prostate cancer, hereditary, 9. Last evaluated: 2022-04-03. Review status: criteria provided, single submitter. Criteria: ACMG Guidelines, 2015. Collection method: clinical testing. Allele origin: unknown.